The following is an entry in ClinVar:

NM_005228.5(EGFR):c.2952T>A (p.Asp984Glu)

Gene: EGFR (epidermal growth factor receptor; plus strand). Cytogenetic location: 7p11.2.
Variant type: single nucleotide variant.
Coding change: c.2952T>A on transcript NM_005228.5 (MANE Select); coding-DNA position 2952, T replaced by A.
Protein change: p.Asp984Glu; replaces aspartic acid 984 with glutamic acid.
Molecular consequence: missense variant.
Genome position (GRCh38, 1-based): chr7:55,201,193, T>A. VCF-style: chr7-55201193-T-A. GRCh37 (hg19) VCF-style: chr7-55268886-T-A.
Other names: c.2817T>A, p.Asp939Glu (NM_001346897.2, NM_001346899.2); c.2952T>A, p.Asp984Glu (NM_001346898.2); c.2793T>A, p.Asp931Glu (NM_001346900.2); c.2151T>A, p.Asp717Glu (NM_001346941.2); short protein forms D939E, D717E, D931E, D984E.
Identifiers: ClinVar variation 4824460 (VCV004824460.1).
Genomic context (GRCh38, chr7:55,201,193, plus strand): 5'-AAGTGGAATAGCATCTCTACGGGCCATTCTAATAGCCTCAAAATCTCTGCACCAGGGGGA[T>A]GAAAGAATGCATTTGCCAAGTCCTACAGACTCCAACTTCTACCGTGCCCTGATGGATGAA-3'
Protein context (NP_005219.2, residues 974-994): DPQRYLVIQG[Asp984Glu]ERMHLPSPTD

ClinVar aggregate classification (germline): Uncertain significance (1 of 4 stars; one submission).

Conditions:
Hereditary cancer-predisposing syndrome. Also called: Neoplastic Syndromes, Hereditary; Hereditary neoplastic syndrome; Tumor predisposition; Hereditary Cancer Syndrome. Identifiers: Orphanet 140162, MedGen C0027672, MeSH D009386, MONDO:0015356.

Submission:

Ambry Genetics
Classification: Uncertain significance for Hereditary cancer-predisposing syndrome. Last evaluated: 2026-01-18. Review status: criteria provided, single submitter. Criteria: Ambry Variant Classification Scheme 2023. Collection method: clinical testing. Allele origin: germline.
Comment: The p.D984E variant (also known as c.2952T>A), located in coding exon 25 of the EGFR gene, results from a T to A substitution at nucleotide position 2952. The aspartic acid at codon 984 is replaced by glutamic acid, an amino acid with highly similar properties. This amino acid position is conserved. In addition, this alteration is predicted to be tolerated by in silico analysis. Based on the available evidence, the clinical significance of this variant remains unclear.